The following is an entry in ClinVar:

NM_002700.3(POU4F3):c.66del (p.Ser23fs)

Genes: RBM27-POU4F3 (RBM27-POU4F3 readthrough; plus strand), POU4F3 (POU class 4 homeobox 3; plus strand). Cytogenetic location: 5q32.
Variant type: Deletion.
Coding change: c.66del on transcript NM_002700.3 (MANE Select); coding-DNA position 66, one base deleted (C; older notation c.66delC).
Protein change: p.Ser23fs; shifts the reading frame from serine 23.
Molecular consequence: frameshift variant.
Genome position (GRCh38, 1-based): chr5:146,339,178, C deleted; the last of 2 consecutive C bases (chr5:146,339,177-146,339,178); deleting either gives the same sequence. VCF-style (leftmost placement, unchanged base first): chr5-146339176-TC-T. GRCh37 (hg19) VCF-style: chr5-145718739-TC-T.
Other names: short protein forms S23fs.
Identifiers: ClinVar variation 1687177 (VCV001687177.1), dbSNP rs2126960899, ClinGen allele CA2573139232.

ClinVar aggregate classification (germline): Pathogenic (1 of 4 stars; one submission).

Conditions:
Autosomal dominant nonsyndromic hearing loss 15 (DFNA15). Also called: Autosomal dominant nonsyndromic hearing loss 52; DEAFNESS, AUTOSOMAL DOMINANT 52. Identifiers: Orphanet 90635, MedGen C1865366, MONDO:0011226, OMIM 602459.

Submission:

3billion
Classification: Pathogenic for Autosomal dominant nonsyndromic hearing loss 15. Last evaluated: 2022-05-22. Review status: criteria provided, single submitter. Criteria: ACMG Guidelines, 2015. Collection method: clinical testing. Allele origin: germline. Affected: yes. Observed: 1 heterozygote.
Comment: The variant is not observed in the gnomAD v2.1.1 dataset. Frameshift: predicted to result in a loss or disruption of normal protein function through nonsense-mediated decay (NMD) or protein truncation. Multiple pathogenic variants are reported downstream of the variant. The variant has been reported to be associated with POU4F3 related disorder (3billion dataset). Therefore, this variant is classified as pathogenic according to the recommendation of ACMG/AMP guideline.